The following continues an entry in ClinVar:

NM_007294.4(BRCA1):c.5332G>A (p.Asp1778Asn)

Gene: BRCA1. ClinVar aggregate classification (germline): Pathogenic. Pathogenic (1).

Submissions 5 to 13 of 13:

Quest Diagnostics Nichols Institute San Juan Capistrano
Classification: Likely pathogenic. Last evaluated: 2025-03-19. Review status: criteria provided, single submitter. Criteria: Quest Diagnostics criteria. Collection method: clinical testing. Allele origin: unknown. Not counted in ClinVar's aggregate classification.
Comment: The BRCA1 c.5332G>A (p.Asp1778Asn) variant has been reported in the published literature in individuals with breast and/or ovarian cancer and family histories of cancer (PMIDs: 30315757 (2019), 35127315 (2022)). This variant was also identified in trans with BRCA1 c.798_799delTT in a breast cancer patient (PMID: 22684231 (2012)). Functional studies on homology-directed DNA repair (HDR) activity of the BRCA2 protein indicate that this variant has minimal effect on protein function (PMIDs: 25748678 (2015), 37731132 (2023)); however, multiple studies have shown that this variant causes aberrant protein splicing (PMIDs: 22505045 (2012), 25724305 (2015), 30315757 (2019)). This variant has not been reported in large, multi-ethnic general populations (Genome Aggregation Database). Analysis of this variant using bioinformatics tools for the prediction of the effect of amino acid changes on protein structure and function yielded conflicting predictions that this variant is deleterious or benign. Based on the available information, this variant is classified as likely pathogenic.

All of Us Research Program, National Institutes of Health
Classification: Likely pathogenic for Breast-ovarian cancer, familial, susceptibility to, 1. Last evaluated: 2023-08-16. Review status: criteria provided, single submitter. Criteria: ACMG Guidelines, 2015. Collection method: clinical testing. Allele origin: germline. Inheritance: Autosomal dominant inheritance. Observed: 1 variant allele, 1 heterozygote. Not counted in ClinVar's aggregate classification.
Comment: This variant has been reported in multiple individuals with hereditary breast and ovarian cancer (PMID: 22684231, 28364669, 29446198, 30315757, 22864640, 31853058, 18285836, 35127312, 35127315). This variant is absent from large population databases, including the Genome Aggregation Database. Functional studies suggest that the amino acid change may not have a substantial effect on the protein function (20378548, 20516115, 25748678, 30765603), but that this variant may disrupt the protein by causing alternate splicing (PMID: 25724305, 31642931, 30315757). There is some conflicting information about this variant being observed in trans with another BRCA1 variant (22684231); however, the bulk of the evidence suggests that this variant is likely pathogenic.

This study involves interpretation of variants in research participants for the purpose of population health screening. Participant phenotype was not available at the time of variant classification. Additional details can be found in publication PMID: 35346344, PMCID: PMC8962531

Women's Health and Genetics/Laboratory Corporation of America, LabCorp
Classification: Likely pathogenic for Hereditary breast ovarian cancer syndrome. Last evaluated: 2023-07-18. Review status: criteria provided, single submitter. Criteria: LabCorp Variant Classification Summary - May 2015. Collection method: clinical testing. Allele origin: germline. Not counted in ClinVar's aggregate classification.
Comment: Variant summary: BRCA1 c.5332G>A (p.Asp1778Asn) results in a conservative amino acid change in the BRCT domain (IPR001357) of the encoded protein sequence. This variant alters the last conserved nucleotide of exon 20 (also referred to as exon 21 in the literature) adjacent to the intron 20 splice donor site. Three of five in-silico tools predict a benign effect of the variant on protein function. Several computational tools predict a significant impact on normal splicing: Three predict the variant weakens the canonical 5' splicing donor site. Several recent studies have reported skipping of the entire exon 20 (also called exon 21) indicated as r.5278_5332del55 (example, Houdayer_2012, Ahlborn_2015, Minucci_2019, Karam_2019, Landrith_2020). The variant was absent in 251364 control chromosomes. c.5332G>A has been reported in the literature in individuals affected with Hereditary Breast And Ovarian Cancer Syndrome or with personal or family history of hereditary cancers in settings of multi-gene panel testing or limited BRCA1/2 testing (example, Skytte_2011, Cherbal_2012, Tischkowitz_2008, Ryu_2017, Li_2020, Karam_2019, Saita_2022). Among these ascertained reports, the variant co-occurred in trans with a different pathogenic BRCA1 variant (c.798_799delTT, p.Ser267Lysfs*19) in a young breast cancer patient with a reportedly strong family history and no features of Fanconi Anemia (Cherbal_2012). Additional assessments on protein function for the missense change alone, report that the most pronounced variant effect results in 30%-50% of normal homology directed repair (HDR) activity (Findlay_2018) with other reports suggesting minimal to no effect on protein function (example, Lee_2010, Rowling_2010, Gaboriau_2015, Fernandes_2019). However, clinical and experimental evidence together suggest the variant is likely associated with disease based on aberrant splicing effects, not the effect of the missense change alone. The following publications have been ascertained in the context of this evaluation (PMID: 25724305, 22684231, 30765603, 30209399, 25748678, 22505045, 31642931, 32133419, 20516115, 31853058, 30315757, 29446198, 20378548, 28364669, 35127315, 21371001, 18285836). Five submitters have cited clinical-significance assessments for this variant to ClinVar after 2014, classifying the variant as pathogenic (n=1), or likely pathogenic (n=4). Based on the evidence outlined above, the variant was classified as likely pathogenic.

GeneDx
Classification: Likely pathogenic. Last evaluated: 2022-03-14. Review status: criteria provided, single submitter. Criteria: GeneDx Variant Classification Process June 2021. Collection method: clinical testing. Allele origin: germline. Affected: yes. Not counted in ClinVar's aggregate classification.
Comment: Observed in individuals with breast or ovarian cancer, including a co-occurrence with a pathogenic BRCA1 variant stated to be in trans however explanation of phase identification not provided (Tischkowitz 2008, Cherbal 2012, Ryu 2017); Although assays measuring the impact of the predicted protein substitution demonstrate mild or no effect on protein function (Rowling 2010, Lee 2010, Gaboriau 2015), the damaging impact is due to aberrant splicing rather than a missense substitution; Not observed at significant frequency in large population cohorts (gnomAD); Also known as 5451G>A; In silico analysis supports that this missense variant has a deleterious effect on protein structure/function; This variant is associated with the following publications: (PMID: 15235020, 28364669, 30209399, 30315757, 30765603, 31131967, 18285836, 20378548, 17305420, 15172985, 25748678, 24569164, 22505045, 22245140, 25724305, 29446198, 31642931, 32133419, 20516115, 22684231, 35127315, 35127312, 33875706, 31853058)

Sema4
Classification: Likely pathogenic for Hereditary cancer-predisposing syndrome. Last evaluated: 2021-11-22. Review status: criteria provided, single submitter. Criteria: Sema4 Curation Guidelines. Collection method: curation. Allele origin: germline. Not counted in ClinVar's aggregate classification.
Comment: The BRCA1 c.5332G>A (p.D1778N) variant has been reported in heterozygosity in at least 15 individuals with breast/ovarian cancer (PMID: 22684231, 28364669, 29446198, 30315757, 22864640, 31853058, 18285836, 30765603, among others). This variant is the last nucleotide of exon 20 and functional studies demonstrate aberrant splicing, resulting in exon skipping and leading to a truncated protein (PMID: 25724305, 31642931). This variant is not reported in the Genome Aggregation Database (PMID: 32461654). This variant has been reported in ClinVar (Variation ID: 55530). Based on the current evidence available, this variant is interpreted as likely pathogenic.

Consortium of Investigators of Modifiers of BRCA1/2 (CIMBA), c/o University of Cambridge
Classification: Pathogenic for Breast-ovarian cancer, familial, susceptibility to, 1. Last evaluated: 2015-10-02. Review status: criteria provided, single submitter. Criteria: CIMBA Mutation Classification guidelines May 2016. Collection method: clinical testing. Allele origin: germline. Not counted in ClinVar's aggregate classification.

Sharing Clinical Reports Project (SCRP)
Classification: Uncertain significance for Breast-ovarian cancer, familial 1. Last evaluated: 2010-10-22. Review status: no assertion criteria provided. Collection method: clinical testing. Allele origin: germline. Not counted in ClinVar's aggregate classification.

Breast Cancer Information Core (BIC) (BRCA1)
Classification: Uncertain significance for Breast-ovarian cancer, familial 1. Last evaluated: 2002-05-29. Review status: no assertion criteria provided. Collection method: clinical testing. Allele origin: germline. Affected: yes. Observed: 1 variant allele. Not counted in ClinVar's aggregate classification.

Brotman Baty Institute, University of Washington
No classification provided (evidence only). Condition: Breast-ovarian cancer, familial 1. Review status: no classification provided. Collection method: in vitro. Allele origin: not applicable. Functional consequence: function_uncertain_variant. Not counted in ClinVar's aggregate classification.
ClinVar note: "not provided" was previously submitted as the classification for the variant. However, the classification appeared to be based only on an observation of functional data so it was converted to no classification on 2025-07-30.

Literature cited by the submitters: PubMed 15172985 (cited by Ambry Genetics and Quest Diagnostics Nichols Institute San Juan Capistrano); PubMed 15235020 (cited by Ambry Genetics and Quest Diagnostics Nichols Institute San Juan Capistrano); PubMed 17305420 (cited by Ambry Genetics and Quest Diagnostics Nichols Institute San Juan Capistrano); PubMed 18285836 (cited by 5 submitters); PubMed 20378548 (cited by 4 submitters); PubMed 20516115 (cited by 4 submitters); PubMed 21371001 (cited by 3 submitters); PubMed 22505045 (cited by 5 submitters); PubMed 22684231 (cited by 7 submitters); PubMed 22864640 (cited by 3 submitters); PubMed 23239986 (cited by Ambry Genetics); PubMed 25724305 (cited by 7 submitters); PubMed 25748678 (cited by 4 submitters); PubMed 28364669 (cited by 6 submitters); PubMed 29446198 (cited by 5 submitters); PubMed 30209399 (cited by Ambry Genetics and Women's Health and Genetics/Laboratory Corporation of America, LabCorp); PubMed 30315757 (cited by 7 submitters); PubMed 30765603 (cited by 4 submitters); PubMed 31853058 (cited by 5 submitters); PubMed 17576681 (cited by Labcorp Genetics (formerly Invitae), Labcorp); PubMed 9536098 (cited by Labcorp Genetics (formerly Invitae), Labcorp); PubMed 31131967 (cited by Color Diagnostics, LLC DBA Color Health); PubMed 31642931 (cited by 4 submitters); PubMed 32133419 (cited by Color Diagnostics, LLC DBA Color Health and Women's Health and Genetics/Laboratory Corporation of America, LabCorp); PubMed 33471991 (cited by Color Diagnostics, LLC DBA Color Health); PubMed 35127315 (cited by 4 submitters); PubMed 37731132 (cited by Quest Diagnostics Nichols Institute San Juan Capistrano); PubMed 35127312 (cited by All of Us Research Program, National Institutes of Health).